The following is an entry in ClinVar:

NM_001042492.3(NF1):c.3854T>C (p.Met1285Thr)

Gene: NF1 (neurofibromin 1; plus strand). Cytogenetic location: 17q11.2.
Variant type: single nucleotide variant.
Coding change: c.3854T>C on transcript NM_001042492.3 (MANE Select); coding-DNA position 3854, T replaced by C.
Protein change: p.Met1285Thr; replaces methionine 1285 with threonine.
Molecular consequence: missense variant.
Genome position (GRCh38, 1-based): chr17:31,235,756, T>C. VCF-style: chr17-31235756-T-C. GRCh37 (hg19) VCF-style: chr17-29562774-T-C.
Other names: c.3854T>C, p.Met1285Thr (NM_000267.4); short protein forms M1285T.
Identifiers: ClinVar variation 2847005 (VCV002847005.3), dbSNP rs2067189465, ClinGen allele CA398992865.

ClinVar aggregate classification (germline): Uncertain significance (1 of 4 stars; one submission).

Conditions:
Neurofibromatosis, type 1 (NF1). Also called: Neurofibromatosis, type I; VON RECKLINGHAUSEN DISEASE; NEUROFIBROMATOSIS, TYPE I, SOMATIC; Peripheral type neurofibromatosis. Identifiers: Orphanet 636, MedGen C0027831, MONDO:0018975, OMIM 162200. Disease mechanism: loss of function.

Submission:

Labcorp Genetics (formerly Invitae), Labcorp
Classification: Uncertain significance for Neurofibromatosis, type 1. Last evaluated: 2023-03-18. Review status: criteria provided, single submitter. Criteria: Invitae Variant Classification Sherloc (09022015). Collection method: clinical testing. Allele origin: germline.
Comment: This sequence change replaces methionine, which is neutral and non-polar, with threonine, which is neutral and polar, at codon 1285 of the NF1 protein (p.Met1285Thr). This variant is not present in population databases (gnomAD no frequency). This variant has not been reported in the literature in individuals affected with NF1-related conditions. Advanced modeling of protein sequence and biophysical properties (such as structural, functional, and spatial information, amino acid conservation, physicochemical variation, residue mobility, and thermodynamic stability) performed at Invitae indicates that this missense variant is expected to disrupt NF1 protein function. In summary, the available evidence is currently insufficient to determine the role of this variant in disease. Therefore, it has been classified as a Variant of Uncertain Significance.